The following is an entry in ClinVar:

NM_198334.3(GANAB):c.999C>G (p.Thr333=)

Gene: GANAB (glucosidase II alpha subunit; minus strand). Cytogenetic location: 11q12.3.
Variant type: single nucleotide variant.
Coding change: c.999C>G on transcript NM_198334.3 (MANE Select); coding-DNA position 999, C replaced by G.
Protein change: p.Thr333=; no amino-acid change (threonine 333 retained).
Molecular consequence: synonymous variant.
Genome position (GRCh38, 1-based): chr11:62,631,181, G>C on the plus strand (C>G on the coding strand, the complement: GANAB is on the minus strand). VCF-style: chr11-62631181-G-C. GRCh37 (hg19) VCF-style: chr11-62398653-G-C.
Other names: c.723C>G, p.Thr241= (NM_001278192.2); c.657C>G, p.Thr219= (NM_001278193.2); c.708C>G, p.Thr236= (NM_001278194.2, NM_001329222.2, NM_001329223.2); c.276C>G, p.Thr92= (NM_001329224.2, NM_001329225.2); c.1065C>G, p.Thr355= (NM_198335.4).
Identifiers: ClinVar variation 2672468 (VCV002672468.23), dbSNP rs138569652, ClinGen allele CA6050884.

ClinVar aggregate classification (germline): Likely benign (1 of 4 stars; one submission).

Allele frequency attached by ClinVar (database versions not stated): ExAC 0.00001; TOPMed 0.00002; gnomAD 0.00003; ESP Exome Variant Server 0.00008.

Submission:

CeGaT Center for Human Genetics Tuebingen
Classification: Likely benign. Last evaluated: 2023-11-01. Review status: criteria provided, single submitter. Criteria: CeGaT Center For Human Genetics Tuebingen Variant Classification Criteria Version 2. Collection method: clinical testing. Allele origin: germline. Affected: yes. Observed: 1 variant allele.
Comment: GANAB: BP4, BP7